The following is an entry in ClinVar:

NM_016169.4(SUFU):c.1012G>C (p.Asp338His)

Gene: SUFU (SUFU negative regulator of hedgehog signaling; plus strand). Cytogenetic location: 10q24.32.
Variant type: single nucleotide variant.
Coding change: c.1012G>C on transcript NM_016169.4 (MANE Select); coding-DNA position 1012, G replaced by C.
Protein change: p.Asp338His; replaces aspartic acid 338 with histidine.
Molecular consequence: missense variant.
Genome position (GRCh38, 1-based): chr10:102,599,534, G>C. VCF-style: chr10-102599534-G-C. GRCh37 (hg19) VCF-style: chr10-104359291-G-C.
Other names: c.1012G>C, p.Asp338His (NM_001178133.2); short protein forms D338H.
Identifiers: ClinVar variation 2946140 (VCV002946140.4), dbSNP rs145082320, ClinGen allele CA377911196.

ClinVar aggregate classification (germline): Conflicting classifications of pathogenicity. Review status: criteria provided, conflicting classifications (1 of 4 stars). 2 submissions from 2 submitters: Uncertain significance (1); Benign (1). Last evaluated 2025-05-01.

Conditions:
Hereditary cancer-predisposing syndrome. Also called: Hereditary neoplastic syndrome; Neoplastic Syndromes, Hereditary; Tumor predisposition; Hereditary Cancer Syndrome. Identifiers: Orphanet 140162, MedGen C0027672, MeSH D009386, MONDO:0015356.
Gorlin syndrome. Also called: Nevoid Basal Cell Carcinoma Syndrome; Basal cell nevus syndrome. Identifiers: Orphanet 377, MedGen C0004779, MONDO:0007187.
Medulloblastoma (MDB). Also called: MEDULLOBLASTOMA PREDISPOSITION SYNDROME; Medulloblastoma, somatic. Identifiers: Orphanet 616, MedGen C0025149, MeSH D008527, MONDO:0007959, OMIM 155255, HP:0002885.

gnomAD v4.1: 4 of 1,614,072 alleles (0.00025%); highest among the groups gnomAD compares: East Asian, 0.0089%; no homozygotes.

Submissions (2):

Ambry Genetics
Classification: Benign for Hereditary cancer-predisposing syndrome. Last evaluated: 2025-05-01. Review status: criteria provided, single submitter. Criteria: Ambry Variant Classification Scheme 2023. Collection method: clinical testing. Allele origin: germline.

Labcorp Genetics (formerly Invitae), Labcorp
Classification: Uncertain significance for Gorlin syndrome; Medulloblastoma. Last evaluated: 2022-10-21. Review status: criteria provided, single submitter. Criteria: Invitae Variant Classification Sherloc (09022015). Collection method: clinical testing. Allele origin: germline.
Comment: This variant has not been reported in the literature in individuals affected with SUFU-related conditions. Advanced modeling of protein sequence and biophysical properties (such as structural, functional, and spatial information, amino acid conservation, physicochemical variation, residue mobility, and thermodynamic stability) performed at Invitae indicates that this missense variant is not expected to disrupt SUFU protein function. In summary, the available evidence is currently insufficient to determine the role of this variant in disease. Therefore, it has been classified as a Variant of Uncertain Significance. This variant is present in population databases (no rsID available, gnomAD 0.01%). This sequence change replaces aspartic acid, which is acidic and polar, with histidine, which is basic and polar, at codon 338 of the SUFU protein (p.Asp338His).